The following is an entry in ClinVar:

NM_173689.7(CRB2):c.2445_2446del (p.Cys816fs)

Gene: CRB2 (crumbs cell polarity complex component 2; plus strand). Cytogenetic location: 9q33.3.
Variant type: Deletion.
Coding change: c.2445_2446del on transcript NM_173689.7 (MANE Select); coding-DNA positions 2445 to 2446, 2 bases deleted (CT; older notation c.2445_2446delCT).
Protein change: p.Cys816fs; shifts the reading frame from cysteine 816.
Molecular consequence: frameshift variant. On other transcripts: non-coding transcript variant (1).
Genome position (GRCh38, 1-based): chr9:123,372,185-123,372,186, CT deleted. VCF-style (leftmost placement, unchanged base first): chr9-123372184-CCT-C. GRCh37 (hg19) VCF-style: chr9-126134463-CCT-C.
Other names: c.2445_2446delCT (NM_173689.5); short protein forms C816fs.
Identifiers: ClinVar variation 1451919 (VCV001451919.6), dbSNP rs777114603, ClinGen allele CA5232228.

ClinVar aggregate classification (germline): Pathogenic. Review status: criteria provided, multiple submitters, no conflicts (2 of 4 stars). 2 submissions from 2 submitters: Pathogenic (2). Last evaluated 2024-03-16.

Conditions:
Inborn genetic diseases. Identifiers: MedGen C0950123, MeSH D030342.

Allele frequency attached by ClinVar (database versions not stated): ExAC 0.00003; gnomAD exomes 0.00003 and 0.00004; TOPMed 0.00004; gnomAD 0.00006.

Submissions (2):

Labcorp Genetics (formerly Invitae), Labcorp
Classification: Pathogenic. Last evaluated: 2024-03-16. Review status: criteria provided, single submitter. Criteria: Invitae Variant Classification Sherloc (09022015). Collection method: clinical testing. Allele origin: germline.
Comment: This sequence change creates a premature translational stop signal (p.Cys816Phefs*12) in the CRB2 gene. It is expected to result in an absent or disrupted protein product. Loss-of-function variants in CRB2 are known to be pathogenic (PMID: 27942854, 30212996). This variant is present in population databases (rs777114603, gnomAD 0.009%). This variant has not been reported in the literature in individuals affected with CRB2-related conditions. ClinVar contains an entry for this variant (Variation ID: 1451919). For these reasons, this variant has been classified as Pathogenic.

Ambry Genetics
Classification: Pathogenic for Inborn genetic diseases. Last evaluated: 2023-05-24. Review status: criteria provided, single submitter. Criteria: Ambry Variant Classification Scheme 2023. Collection method: clinical testing. Allele origin: germline.
Comment: The c.2445_2446delCT (p.C816Ffs*12) alteration, located in exon 9 (coding exon 9) of the CRB2 gene, consists of a deletion of 2 nucleotides from position 2445 to 2446, causing a translational frameshift with a predicted alternate stop codon after 12 amino acids. This alteration is expected to result in loss of function by premature protein truncation or nonsense-mediated mRNA decay. Based on data from gnomAD, the CT allele has an overall frequency of 0.004% (11/282670) total alleles studied. The highest observed frequency was 0.028% (2/7220) of Other alleles. Based on the available evidence, this alteration is classified as pathogenic.

Literature cited by the submitters: PubMed 27942854 (cited by Labcorp Genetics (formerly Invitae), Labcorp); PubMed 30212996 (cited by Labcorp Genetics (formerly Invitae), Labcorp).